The following is an entry in ClinVar:

ClinVar aggregate classification (germline): Uncertain significance (1 of 4 stars; one submission).

Conditions:
Early Myoclonic Encephalopathy. Identifiers: MedGen C0270855.

Submission:

Labcorp Genetics (formerly Invitae), Labcorp
Classification: Uncertain significance for Early Myoclonic Encephalopathy. Last evaluated: 2023-02-16. Review status: criteria provided, single submitter. Criteria: Invitae Variant Classification Sherloc (09022015). Collection method: clinical testing. Allele origin: germline.
Comment: This sequence change replaces arginine, which is basic and polar, with serine, which is neutral and polar, at codon 562 of the KCND2 protein (p.Arg562Ser). This variant is not present in population databases (gnomAD no frequency). This variant has not been reported in the literature in individuals affected with KCND2-related conditions. ClinVar contains an entry for this variant (Variation ID: 569193). Advanced modeling of protein sequence and biophysical properties (such as structural, functional, and spatial information, amino acid conservation, physicochemical variation, residue mobility, and thermodynamic stability) performed at Invitae indicates that this missense variant is not expected to disrupt KCND2 protein function. In summary, the available evidence is currently insufficient to determine the role of this variant in disease. Therefore, it has been classified as a Variant of Uncertain Significance.

NM_012281.3(KCND2):c.1686A>C (p.Arg562Ser)

Gene: KCND2 (potassium voltage-gated channel subfamily D member 2; plus strand). Cytogenetic location: 7q31.31.
Variant type: single nucleotide variant.
Coding change: c.1686A>C on transcript NM_012281.3 (MANE Select); coding-DNA position 1686, A replaced by C.
Protein change: p.Arg562Ser; replaces arginine 562 with serine.
Molecular consequence: missense variant.
Genome position (GRCh38, 1-based): chr7:120,745,998, A>C. VCF-style: chr7-120745998-A-C. GRCh37 (hg19) VCF-style: chr7-120386052-A-C.
Other names: short protein forms R562S.
Identifiers: ClinVar variation 569193 (VCV000569193.8), dbSNP rs1562926544, ClinGen allele CA369136023.